The following is an entry in ClinVar:

NM_000095.3(COMP):c.48C>T (p.Leu16=)

Gene: COMP (cartilage oligomeric matrix protein; minus strand). Cytogenetic location: 19p13.11.
Variant type: single nucleotide variant.
Coding change: c.48C>T on transcript NM_000095.3 (MANE Select); coding-DNA position 48, C replaced by T.
Protein change: p.Leu16=; no amino-acid change (leucine 16 retained).
Molecular consequence: synonymous variant.
Genome position (GRCh38, 1-based): chr19:18,791,222, G>A on the plus strand (C>T on the coding strand, the complement: COMP is on the minus strand). VCF-style: chr19-18791222-G-A. GRCh37 (hg19) VCF-style: chr19-18902031-G-A.
Identifiers: ClinVar variation 3350924 (VCV003350924.1).

ClinVar aggregate classification (germline): Likely benign (0 of 4 stars; one submission).

Conditions:
COMP-related disorder. Also called: COMP-related condition; COMP-related disorders.

Submission:

PreventionGenetics, part of Exact Sciences
Classification: Likely benign for COMP-related condition. Last evaluated: 2024-06-07. Review status: no assertion criteria provided. Collection method: clinical testing. Allele origin: germline.
Comment: This variant is classified as likely benign based on ACMG/AMP sequence variant interpretation guidelines (Richards et al. 2015 PMID: 25741868, with internal and published modifications).